The following is an entry in ClinVar:

ClinVar aggregate classification (germline): Uncertain significance (1 of 4 stars; one submission).

Allele frequency attached by ClinVar (database versions not stated): TOPMed below 0.00001.

Submission:

Labcorp Genetics (formerly Invitae), Labcorp
Classification: Uncertain significance. Last evaluated: 2023-12-02. Review status: criteria provided, single submitter. Criteria: Invitae Variant Classification Sherloc (09022015). Collection method: clinical testing. Allele origin: germline.
Comment: This sequence change falls in intron 17 of the USH1C gene. It does not directly change the encoded amino acid sequence of the USH1C protein. This variant is not present in population databases (gnomAD no frequency). This variant has not been reported in the literature in individuals affected with USH1C-related conditions. Algorithms developed to predict the effect of sequence changes on RNA splicing suggest that this variant may create or strengthen a splice site. In summary, the available evidence is currently insufficient to determine the role of this variant in disease. Therefore, it has been classified as a Variant of Uncertain Significance.

NM_153676.4(USH1C):c.2281-4C>G

Gene: USH1C (USH1 protein network component harmonin; minus strand). Cytogenetic location: 11p15.1.
Variant type: single nucleotide variant.
Coding change: c.2281-4C>G on transcript NM_153676.4 (MANE Select); 4 bases into the intron before coding-DNA position 2281, C replaced by G.
Molecular consequence: intron variant.
Genome position (GRCh38, 1-based): chr11:17,501,154, G>C on the plus strand (C>G on the coding strand, the complement: USH1C is on the minus strand). VCF-style: chr11-17501154-G-C. GRCh37 (hg19) VCF-style: chr11-17522701-G-C.
Other names: c.1324-4C>G (NM_001297764.2); c.1381-4C>G (NM_005709.4).
Identifiers: ClinVar variation 2747777 (VCV002747777.3), dbSNP rs1338753248, ClinGen allele CA674236190.